The following is an entry in ClinVar:

ClinVar aggregate classification (germline): Uncertain significance (1 of 4 stars; one submission).

Allele frequency attached by ClinVar (database versions not stated): gnomAD exomes 0.00002.
gnomAD v4.1: 16 of 1,614,162 alleles (0.00099%); highest among the groups gnomAD compares: Non-Finnish European, 0.0014%; no homozygotes.

Submission:

Labcorp Genetics (formerly Invitae), Labcorp
Classification: Uncertain significance. Last evaluated: 2022-03-21. Review status: criteria provided, single submitter. Criteria: Invitae Variant Classification Sherloc (09022015). Collection method: clinical testing. Allele origin: germline.
Comment: This sequence change replaces alanine, which is neutral and non-polar, with valine, which is neutral and non-polar, at codon 825 of the ELP1 protein (p.Ala825Val). This variant is not present in population databases (gnomAD no frequency). This variant has not been reported in the literature in individuals affected with ELP1-related conditions. Algorithms developed to predict the effect of missense changes on protein structure and function output the following: SIFT: "Tolerated"; PolyPhen-2: "Benign"; Align-GVGD: "Class C0". The valine amino acid residue is found in multiple mammalian species, which suggests that this missense change does not adversely affect protein function. In summary, the available evidence is currently insufficient to determine the role of this variant in disease. Therefore, it has been classified as a Variant of Uncertain Significance.

NM_003640.5(ELP1):c.2474C>T (p.Ala825Val)

Gene: ELP1 (elongator acetyltransferase complex subunit 1; minus strand). Cytogenetic location: 9q31.3.
Variant type: single nucleotide variant.
Coding change: c.2474C>T on transcript NM_003640.5 (MANE Select); coding-DNA position 2474, C replaced by T.
Protein change: p.Ala825Val; replaces alanine 825 with valine.
Molecular consequence: missense variant.
Genome position (GRCh38, 1-based): chr9:108,897,175, G>A on the plus strand (C>T on the coding strand, the complement: ELP1 is on the minus strand). VCF-style: chr9-108897175-G-A. GRCh37 (hg19) VCF-style: chr9-111659455-G-A.
Other names: c.2132C>T, p.Ala711Val (NM_001318360.2); c.1427C>T, p.Ala476Val (NM_001330749.2); short protein forms A476V, A711V, A825V.
Identifiers: ClinVar variation 2151636 (VCV002151636.1), dbSNP rs2537891048, ClinGen allele CA374421055.
Genomic context (GRCh38, chr9:108,897,175, plus strand): 5'-TCAAAGGATGCCACCTGGTGACAGCATACATACTTATGAGGATTTATGCTCTCCATGACT[G>A]CTCTCATAGCATCGCAGACAAGGTCTATTTTATTCCCGTCAGGATCCCTGGACAGGTAGA-3'
Protein context (NP_003631.2, residues 815-835): KIDLVCDAMR[Ala825Val]VMESINPHKY